The following is an entry in ClinVar:

NM_020949.3(SLC7A14):c.2075C>T (p.Thr692Met)

Genes: SLC7A14 (solute carrier family 7 member 14; minus strand), SLC7A14-AS1 (SLC7A14 antisense RNA 1; plus strand). Cytogenetic location: 3q26.2.
Variant type: single nucleotide variant.
Coding change: c.2075C>T on transcript NM_020949.3 (MANE Select); coding-DNA position 2075, C replaced by T.
Protein change: p.Thr692Met; replaces threonine 692 with methionine.
Molecular consequence: missense variant. On other transcripts: non-coding transcript variant (3).
Genome position (GRCh38, 1-based): chr3:170,467,296, G>A on the plus strand (C>T on the coding strand, the complement: SLC7A14 is on the minus strand). VCF-style: chr3-170467296-G-A. GRCh37 (hg19) VCF-style: chr3-170185084-G-A.
Other names: short protein forms T692M.
Identifiers: ClinVar variation 2778385 (VCV002778385.3), dbSNP rs1462328910, ClinGen allele CA355484368.

ClinVar aggregate classification (germline): Uncertain significance (1 of 4 stars; one submission).

Allele frequency attached by ClinVar (database versions not stated): gnomAD exomes below 0.00001; gnomAD 0.00001.
gnomAD v4.1: 4 of 1,614,074 alleles (0.00025%); highest among the groups gnomAD compares: East Asian, 0.0022%; no homozygotes.

Submission:

Labcorp Genetics (formerly Invitae), Labcorp
Classification: Uncertain significance. Last evaluated: 2022-11-12. Review status: criteria provided, single submitter. Criteria: Invitae Variant Classification Sherloc (09022015). Collection method: clinical testing. Allele origin: germline.
Comment: This sequence change replaces threonine, which is neutral and polar, with methionine, which is neutral and non-polar, at codon 692 of the SLC7A14 protein (p.Thr692Met). This variant is not present in population databases (gnomAD no frequency). This variant has not been reported in the literature in individuals affected with SLC7A14-related conditions. Algorithms developed to predict the effect of missense changes on protein structure and function output the following: SIFT: "Tolerated"; PolyPhen-2: "Benign"; Align-GVGD: "Class C0". The methionine amino acid residue is found in multiple mammalian species, which suggests that this missense change does not adversely affect protein function. In summary, the available evidence is currently insufficient to determine the role of this variant in disease. Therefore, it has been classified as a Variant of Uncertain Significance.